The following is an entry in ClinVar:

NM_031942.5(CDCA7):c.545A>G (p.Asn182Ser)

Gene: CDCA7 (cell division cycle associated 7; plus strand). Cytogenetic location: 2q31.1.
Variant type: single nucleotide variant.
Coding change: c.545A>G on transcript NM_031942.5 (MANE Select); coding-DNA position 545, A replaced by G.
Protein change: p.Asn182Ser; replaces asparagine 182 with serine.
Molecular consequence: missense variant.
Genome position (GRCh38, 1-based): chr2:173,363,386, A>G. VCF-style: chr2-173363386-A-G. GRCh37 (hg19) VCF-style: chr2-174228114-A-G.
Other names: c.308A>G, p.Asn103Ser (NM_145810.3); short protein forms N103S, N182S.
Identifiers: ClinVar variation 1717662 (VCV001717662.3), dbSNP rs1370383253, ClinGen allele CA349324959.

ClinVar aggregate classification (germline): Uncertain significance (1 of 4 stars; one submission).

gnomAD v4.1: 2 of 1,614,024 alleles (0.00012%); highest among the groups gnomAD compares: East Asian, 0.0022%; no homozygotes.

Submission:

Labcorp Genetics (formerly Invitae), Labcorp
Classification: Uncertain significance. Last evaluated: 2022-08-22. Review status: criteria provided, single submitter. Criteria: Invitae Variant Classification Sherloc (09022015). Collection method: clinical testing. Allele origin: germline.
Comment: This sequence change replaces asparagine, which is neutral and polar, with serine, which is neutral and polar, at codon 182 of the CDCA7 protein (p.Asn182Ser). This variant is not present in population databases (gnomAD no frequency). This variant has not been reported in the literature in individuals affected with CDCA7-related conditions. Algorithms developed to predict the effect of missense changes on protein structure and function output the following: SIFT: "Tolerated"; PolyPhen-2: "Benign"; Align-GVGD: "Class C0". The serine amino acid residue is found in multiple mammalian species, which suggests that this missense change does not adversely affect protein function. In summary, the available evidence is currently insufficient to determine the role of this variant in disease. Therefore, it has been classified as a Variant of Uncertain Significance.